The following is an entry in ClinVar:

ClinVar aggregate classification (germline): Pathogenic/Likely pathogenic. Review status: criteria provided, multiple submitters, no conflicts (2 of 4 stars). 8 submissions from 8 submitters: Pathogenic (5); Likely pathogenic (1). 2 of the submissions do not count toward it. Last evaluated 2025-12-22.

Conditions:
ETV6-related disorders.
Thrombocytopenia 5 (THC5). Also called: THROMBOCYTOPENIA 5 WITH INCREASED SUSCEPTIBILITY TO MALIGNANCY; THROMBOCYTOPENIA, AUTOSOMAL DOMINANT, 5. Identifiers: MedGen C4015537, MONDO:0014536, OMIM 616216.
Thrombocytopenia. Identifiers: MedGen C0040034, MeSH D013921, MONDO:0002049, HP:0001873.
Hematologic neoplasm. Also called: Hematologic cancer; Hematological neoplasm. Identifiers: MedGen C0376545, MeSH D019337, HP:0004377.

Submissions (8):

GeneDx
Classification: Pathogenic. Last evaluated: 2025-12-22. Review status: criteria provided, single submitter. Criteria: GeneDx Variant Classification Process June 2021. Collection method: clinical testing. Allele origin: germline. Affected: yes.
Comment: Observed in individuals with a personal history consistent with pathogenic variants in this gene, with segregation in affected individuals from a single family in the literature (PMID: 25581430, 26522332); Published functional studies demonstrate a damaging effect: dominant negative variant leading to mislocalization of protein in cytoplasm and reduced repression of necessary genes for hematopoietic differentiation (PMID: 25581430, 26102509); Not observed at significant frequency in large population cohorts (gnomAD); In silico analysis supports that this missense variant has a deleterious effect on protein structure/function; This variant is associated with the following publications: (PMID: 26522332, 26219557, 28637624, 25581430, 26102509, 28555414, 35586967, 39318204, 32693409, 36350827)

Labcorp Genetics (formerly Invitae), Labcorp
Classification: Pathogenic. Last evaluated: 2025-08-29. Review status: criteria provided, single submitter. Criteria: Invitae Variant Classification Sherloc (09022015). Collection method: clinical testing. Allele origin: germline.
Comment: This sequence change replaces arginine, which is basic and polar, with cysteine, which is neutral and slightly polar, at codon 399 of the ETV6 protein (p.Arg399Cys). This variant is not present in population databases (gnomAD no frequency). This missense change has been observed in individual(s) with ETV6-related conditions (PMID: 25581430, 26522332). It has also been observed to segregate with disease in related individuals. ClinVar contains an entry for this variant (Variation ID: 162220). Invitae Evidence Modeling of protein sequence and biophysical properties (such as structural, functional, and spatial information, amino acid conservation, physicochemical variation, residue mobility, and thermodynamic stability) indicates that this missense variant is expected to disrupt ETV6 protein function with a positive predictive value of 80%. Experimental studies have shown that this missense change affects ETV6 function (PMID: 25581430, 26102509, 32693409). This variant disrupts the p.Arg399 amino acid residue in ETV6. Other variant(s) that disrupt this residue have been determined to be pathogenic (PMID: 25581430, 32693409). This suggests that this residue is clinically significant, and that variants that disrupt this residue are likely to be disease-causing. For these reasons, this variant has been classified as Pathogenic.

Mayo Clinic Laboratories, Mayo Clinic
Classification: Pathogenic. Last evaluated: 2025-01-09. Review status: criteria provided, single submitter. Criteria: ACMG Guidelines, 2015. Collection method: clinical testing. Allele origin: germline. Observed: 1 variant allele.
Comment: PP3, PM1, PM2_supporting, PM5, PS3, PS4_moderate

Women's Health and Genetics/Laboratory Corporation of America, LabCorp
Classification: Pathogenic for Thrombocytopenia 5. Last evaluated: 2023-01-24. Review status: criteria provided, single submitter. Criteria: LabCorp Variant Classification Summary - May 2015. Collection method: clinical testing. Allele origin: germline.
Comment: Variant summary: ETV6 c.1195C>T (p.Arg399Cys) results in a non-conservative amino acid change located in the Ets domain (IPR000418) of the encoded protein sequence. Five of five in-silico tools predict a damaging effect of the variant on protein function. The variant was absent in 251438 control chromosomes (gnomAD). c.1195C>T has been reported in the literature in individuals affected with Thrombocytopenia and malignancy, and the variant segregated with the disease (examples: Nishi_2021 and Zhang_2015). Published functional studies demonstrate a damaging effect of the variant on protein function. Zhang_2015 demonstrated p.Arg399Cys abrogate DNA binding by ETV6 and failed to repress firefly luciferase reporter constructs containing the MMP3 or PF4 promoter. These data indicate that the variant is very likely to be associated with disease. One clinical diagnostic laboratories have submitted clinical-significance assessments for this variant to ClinVar after and classified the variant as pathogenic. Based on the evidence outlined above, the variant was classified as pathogenic.

Blueprint Genetics
Classification: Likely pathogenic for ETV6-related disorders. Last evaluated: 2019-09-09. Review status: criteria provided, single submitter. Criteria: ACMG Guidelines, 2015. Collection method: clinical testing. Allele origin: germline. Affected: yes. Observed: 1 variant allele.

ISTH-SSC Genomics in Thrombosis and Hemostasis, KU Leuven, Center for Molecular and Vascular Biology
Classification: Pathogenic for Thrombocytopenia 5. Review status: criteria provided, single submitter. Criteria: ACMG Guidelines, 2015. Collection method: clinical testing. Allele origin: germline. Affected: yes. Observed: 1 heterozygote.
Comment: Submitted to GoldVariant by Jose María Bastida and José Rivera; Grupo Español de Alteraciones Plaquetarias Congénitas (GEAPC)

OMIM
Classification: Pathogenic for THROMBOCYTOPENIA 5. Last evaluated: 2015-02-01. Review status: no assertion criteria provided. Collection method: literature only. Allele origin: germline. Not counted in ClinVar's aggregate classification.

Akiko Shimamura Lab, Fred Hutchinson Cancer Research Center
Classification: Pathogenic for thrombocytopenia; hematologic malignancy. Last evaluated: 2014-11-30. Review status: no assertion criteria provided. Collection method: research. Allele origin: germline. Affected: yes. Observed: 4 variant alleles. Not counted in ClinVar's aggregate classification.

Literature cited by the submitters: PubMed 25581430 (cited by 6 submitters); PubMed 26522332 (cited by 3 submitters); PubMed 26102509 (cited by 3 submitters); PubMed 32693409 (cited by 3 submitters); PubMed 27450272 (cited by Mayo Clinic Laboratories, Mayo Clinic); PubMed 28555414 (cited by Mayo Clinic Laboratories, Mayo Clinic); PubMed 31248877 (cited by Mayo Clinic Laboratories, Mayo Clinic); PubMed 33692849 (cited by Mayo Clinic Laboratories, Mayo Clinic); PubMed 36350827 (cited by Mayo Clinic Laboratories, Mayo Clinic); PubMed 36867579 (cited by Mayo Clinic Laboratories, Mayo Clinic); PubMed 37586297 (cited by Mayo Clinic Laboratories, Mayo Clinic); PubMed 21680795 (cited by Women's Health and Genetics/Laboratory Corporation of America, LabCorp); PubMed 21714648 (cited by Women's Health and Genetics/Laboratory Corporation of America, LabCorp); PubMed 15806161 (cited by Women's Health and Genetics/Laboratory Corporation of America, LabCorp); PubMed 24904105 (cited by Women's Health and Genetics/Laboratory Corporation of America, LabCorp); PubMed 18305557 (cited by Women's Health and Genetics/Laboratory Corporation of America, LabCorp); PubMed 9694803 (cited by Women's Health and Genetics/Laboratory Corporation of America, LabCorp); PubMed 24997145 (cited by Women's Health and Genetics/Laboratory Corporation of America, LabCorp); PubMed 27895058 (cited by Women's Health and Genetics/Laboratory Corporation of America, LabCorp).

NM_001987.5(ETV6):c.1195C>T (p.Arg399Cys)

Gene: ETV6 (ETS variant transcription factor 6; plus strand). Cytogenetic location: 12p13.2.
Variant type: single nucleotide variant.
Coding change: c.1195C>T on transcript NM_001987.5 (MANE Select); coding-DNA position 1195, C replaced by T.
Protein change: p.Arg399Cys; replaces arginine 399 with cysteine.
Molecular consequence: missense variant.
Genome position (GRCh38, 1-based): chr12:11,885,968, C>T. VCF-style: chr12-11885968-C-T. GRCh37 (hg19) VCF-style: chr12-12038902-C-T.
Other names: R399C.
Identifiers: ClinVar variation 162220 (VCV000162220.50), dbSNP rs724159945, ClinGen allele CA175025.